The following is an entry in ClinVar:

NM_022124.6(CDH23):c.6163C>T (p.Leu2055=)

Gene: CDH23 (cadherin related 23; plus strand). Cytogenetic location: 10q22.1.
Variant type: single nucleotide variant.
Coding change: c.6163C>T on transcript NM_022124.6 (MANE Select); coding-DNA position 6163, C replaced by T.
Protein change: p.Leu2055=; no amino-acid change (leucine 2055 retained).
Molecular consequence: synonymous variant.
Genome position (GRCh38, 1-based): chr10:71,791,245, C>T. VCF-style: chr10-71791245-C-T. GRCh37 (hg19) VCF-style: chr10-73551002-C-T.
Identifiers: ClinVar variation 751310 (VCV000751310.14), dbSNP rs536022792, ClinGen allele CA5546014.

ClinVar aggregate classification (germline): Benign/Likely benign. Review status: criteria provided, multiple submitters, no conflicts (2 of 4 stars). 4 submissions from 4 submitters: Benign (1); Likely benign (2). 1 of the submissions does not count toward it. Last evaluated 2026-01-24.

Conditions:
CDH23-related disorder. Also called: CDH23-related disorders; CDH23-related condition.
Usher syndrome type 1 (USH1). Also called: RETINITIS PIGMENTOSA AND CONGENITAL DEAFNESS. Identifiers: Orphanet 231169, Orphanet 886, MedGen C1568247, MONDO:0010168, OMIM 276900.

Allele frequency attached by ClinVar (database versions not stated): gnomAD exomes 0.00003 and 0.00027; TOPMed 0.00007; gnomAD 0.00011; 1000 Genomes Project 30x 0.00016; 1000 Genomes Project 0.00020; ExAC 0.00027.
gnomAD v4.1: 64 of 1,613,688 alleles (0.004%); highest among the groups gnomAD compares: East Asian, 0.13%; no homozygotes.

Submissions (4):

Labcorp Genetics (formerly Invitae), Labcorp
Classification: Benign. Last evaluated: 2026-01-24. Review status: criteria provided, single submitter. Criteria: Invitae Variant Classification Sherloc (09022015). Collection method: clinical testing. Allele origin: germline.

PreventionGenetics, part of Exact Sciences
Classification: Likely benign for CDH23-related condition. Last evaluated: 2025-02-13. Review status: criteria provided, single submitter. Criteria: ACMG Guidelines, 2015. Collection method: clinical testing. Allele origin: germline.
Comment: This variant is classified as likely benign based on ACMG/AMP sequence variant interpretation guidelines (Richards et al. 2015 PMID: 25741868, with internal and published modifications).

Blueprint Genetics
Classification: Likely benign. Last evaluated: 2023-04-20. Review status: criteria provided, single submitter. Criteria: ACMG Guidelines, 2015. Collection method: clinical testing. Allele origin: germline.

Natera, Inc.
Classification: Uncertain significance for Usher syndrome type 1. Last evaluated: 2020-01-24. Review status: no assertion criteria provided. Collection method: clinical testing. Allele origin: germline. Not counted in ClinVar's aggregate classification.